The following is an entry in ClinVar:

ClinVar aggregate classification (germline): Uncertain significance. Review status: criteria provided, multiple submitters, no conflicts (2 of 4 stars). 2 submissions from 2 submitters: Uncertain significance (2). Last evaluated 2025-06-25.

Submissions (2):

Dasa
Classification: Uncertain significance. Last evaluated: 2025-06-25. Review status: criteria provided, single submitter. Criteria: DASA Assertion Criteria. Collection method: clinical testing. Allele origin: germline.
Comment: NM_004807.3(HS6ST1):c.1072C>T (p.Arg358Cys) is a missense variant that results in the substitution of arginine with cysteine. This variant is rare in population databases. Computational prediction algorithms are consistent with a deleterious effect. The currently available literature and clinical evidence are not sufficient to establish a definitive association between this variant and the reported condition. Therefore, this variant is classified as a variant of uncertain significance.

Ambry Genetics
Classification: Uncertain significance. Last evaluated: 2024-03-28. Review status: criteria provided, single submitter. Criteria: Ambry Variant Classification Scheme 2023. Collection method: clinical testing. Allele origin: germline.

NM_004807.3(HS6ST1):c.1072C>T (p.Arg358Cys)

Gene: HS6ST1 (heparan sulfate 6-O-sulfotransferase 1; minus strand). Cytogenetic location: 2q14.3.
Variant type: single nucleotide variant.
Coding change: c.1072C>T on transcript NM_004807.3 (MANE Select); coding-DNA position 1072, C replaced by T.
Protein change: p.Arg358Cys; replaces arginine 358 with cysteine.
Molecular consequence: missense variant.
Genome position (GRCh38, 1-based): chr2:128,268,326, G>A on the plus strand (C>T on the coding strand, the complement: HS6ST1 is on the minus strand). VCF-style: chr2-128268326-G-A. GRCh37 (hg19) VCF-style: chr2-129025900-G-A.
Other names: short protein forms R358C.
Identifiers: ClinVar variation 3284823 (VCV003284823.3).